The following is an entry in ClinVar:

ClinVar aggregate classification (germline): Uncertain significance (1 of 4 stars; one submission).

Conditions:
Arrhythmogenic right ventricular dysplasia 8 (ARVD8). Also called: Arrhythmogenic Right Ventricular Dysplasia/Cardiomyopathy 8; ARRHYTHMOGENIC RIGHT VENTRICULAR DYSPLASIA, FAMILIAL, 8; ARRHYTHMOGENIC RIGHT VENTRICULAR CARDIOMYOPATHY 8. Identifiers: MedGen C1843896, MONDO:0011831, OMIM 607450.
Arrhythmogenic cardiomyopathy with wooly hair and keratoderma. Also called: PALMOPLANTAR KERATODERMA WITH LEFT VENTRICULAR CARDIOMYOPATHY AND WOOLLY HAIR; Carvajal syndrome; Dilated cardiomyopathy with woolly hair and keratoderma; Arrhythmogenic cardiomyopathy with woolly hair and keratoderma. Identifiers: Orphanet 65282, MedGen C1854063, MONDO:0011581, OMIM 605676.

Submission:

Labcorp Genetics (formerly Invitae), Labcorp
Classification: Uncertain significance for Arrhythmogenic cardiomyopathy with wooly hair and keratoderma; Arrhythmogenic right ventricular dysplasia 8. Last evaluated: 2025-01-06. Review status: criteria provided, single submitter. Criteria: Invitae Variant Classification Sherloc (09022015). Collection method: clinical testing. Allele origin: germline.
Comment: This sequence change replaces threonine, which is neutral and polar, with isoleucine, which is neutral and non-polar, at codon 1976 of the DSP protein (p.Thr1976Ile). This variant is not present in population databases (gnomAD no frequency). This variant has not been reported in the literature in individuals affected with DSP-related conditions. An algorithm developed to predict the effect of missense changes on protein structure and function (PolyPhen-2) suggests that this variant is likely to be disruptive. In summary, the available evidence is currently insufficient to determine the role of this variant in disease. Therefore, it has been classified as a Variant of Uncertain Significance.

NM_004415.4(DSP):c.5927C>T (p.Thr1976Ile)

Gene: DSP (desmoplakin; plus strand). Cytogenetic location: 6p24.3.
Variant type: single nucleotide variant.
Coding change: c.5927C>T on transcript NM_004415.4 (MANE Select); coding-DNA position 5927, C replaced by T.
Protein change: p.Thr1976Ile; replaces threonine 1976 with isoleucine.
Molecular consequence: missense variant.
Genome position (GRCh38, 1-based): chr6:7,583,189, C>T. VCF-style: chr6-7583189-C-T. GRCh37 (hg19) VCF-style: chr6-7583422-C-T.
Other names: c.4130C>T, p.Thr1377Ile (NM_001008844.3); c.4598C>T, p.Thr1533Ile (NM_001319034.2); short protein forms T1377I, T1533I, T1976I.
Identifiers: ClinVar variation 3757590 (VCV003757590.2).